The following is an entry in ClinVar:

ClinVar aggregate classification (germline): Likely pathogenic (1 of 4 stars; one submission).

Conditions:
Deficiency of malonyl-CoA decarboxylase. Also called: Malonic aciduria; MCD deficiency. Identifiers: Orphanet 943, MedGen C0342793, MONDO:0009556, OMIM 248360.

Submission:

Juno Genomics, Hangzhou Juno Genomics, Inc
Classification: Likely pathogenic for Deficiency of malonyl-CoA decarboxylase. Review status: criteria provided, single submitter. Criteria: ACMG Guidelines, 2015. Collection method: clinical testing. Allele origin: germline.
Comment: Null variant in a gene where loss of function (LOF) is a known mechanism of disease.;Absent from controls (or at extremely low frequency if recessive) in Genome Aggregation Database.

NM_012213.3(MLYCD):c.611C>A (p.Ser204Ter)

Gene: MLYCD (malonyl-CoA decarboxylase; plus strand). Cytogenetic location: 16q23.3.
Variant type: single nucleotide variant.
Coding change: c.611C>A on transcript NM_012213.3 (MANE Select); coding-DNA position 611, C replaced by A.
Protein change: p.Ser204Ter; replaces serine 204 with a stop codon.
Molecular consequence: nonsense.
Genome position (GRCh38, 1-based): chr16:83,907,069, C>A. VCF-style: chr16-83907069-C-A. GRCh37 (hg19) VCF-style: chr16-83940674-C-A.
Other names: short protein forms S204*.
Identifiers: ClinVar variation 5005644 (VCV005005644.2).